The following is an entry in ClinVar:

NM_182961.4(SYNE1):c.25904T>C (p.Val8635Ala)

Gene: SYNE1 (spectrin repeat containing nuclear envelope protein 1; minus strand). Cytogenetic location: 6q25.2.
Variant type: single nucleotide variant.
Coding change: c.25904T>C on transcript NM_182961.4 (MANE Select); coding-DNA position 25904, T replaced by C.
Protein change: p.Val8635Ala; replaces valine 8635 with alanine.
Molecular consequence: missense variant.
Genome position (GRCh38, 1-based): chr6:152,133,373, A>G on the plus strand (T>C on the coding strand, the complement: SYNE1 is on the minus strand). VCF-style: chr6-152133373-A-G. GRCh37 (hg19) VCF-style: chr6-152454508-A-G.
Other names: c.2510T>C, p.Val837Ala (NM_001347701.2); c.2438T>C, p.Val813Ala (NM_001347702.2); c.25760T>C, p.Val8587Ala (NM_033071.5); short protein forms V813A, V837A, V8587A, V8635A.
Identifiers: ClinVar variation 2097149 (VCV002097149.4), dbSNP rs2549466570, ClinGen allele CA366077005.

ClinVar aggregate classification (germline): Uncertain significance (1 of 4 stars; one submission).

Conditions:
Emery-Dreifuss muscular dystrophy 4, autosomal dominant (EDMD4). Also called: EMERY-DREIFUSS MUSCULAR DYSTROPHY 4 WITH VARIABLE FEATURES. Identifiers: Orphanet 261, MedGen C2751807, MONDO:0013071, OMIM 612998.
Autosomal recessive ataxia, Beauce type. Also called: SYNE1 Deficiency; Spinocerebellar ataxia, autosomal recessive 8; ATAXIA, RECESSIVE, OF BEAUCE; SYNE1-Related Autosomal Recessive Cerebellar Ataxia. Identifiers: Orphanet 88644, MedGen C1853116, MONDO:0012549, OMIM 610743.

gnomAD v4.1: 1 of 1,614,164 alleles (0.000062%); no homozygotes.

Submission:

Labcorp Genetics (formerly Invitae), Labcorp
Classification: Uncertain significance for Emery-Dreifuss muscular dystrophy 4, autosomal dominant; Autosomal recessive ataxia, Beauce type. Last evaluated: 2022-06-11. Review status: criteria provided, single submitter. Criteria: Invitae Variant Classification Sherloc (09022015). Collection method: clinical testing. Allele origin: germline.
Comment: In summary, the available evidence is currently insufficient to determine the role of this variant in disease. Therefore, it has been classified as a Variant of Uncertain Significance. Algorithms developed to predict the effect of missense changes on protein structure and function are either unavailable or do not agree on the potential impact of this missense change (SIFT: "Deleterious"; PolyPhen-2: "Probably Damaging"; Align-GVGD: "Class C0"). This variant has not been reported in the literature in individuals affected with SYNE1-related conditions. This variant is not present in population databases (gnomAD no frequency). This sequence change replaces valine, which is neutral and non-polar, with alanine, which is neutral and non-polar, at codon 8587 of the SYNE1 protein (p.Val8587Ala).